The following is an entry in ClinVar:

ClinVar aggregate classification (germline): Conflicting classifications of pathogenicity. Review status: criteria provided, conflicting classifications (1 of 4 stars). 5 submissions from 5 submitters: Uncertain significance (1); Benign (1); Likely benign (3). Last evaluated 2025-12-26.

Conditions:
Inborn genetic diseases. Identifiers: MedGen C0950123, MeSH D030342.
Congenital stationary night blindness 1E. Also called: Night blindness, congenital stationary (complete), 1E, autosomal recessive. Identifiers: Orphanet 215, MedGen C3281215, MONDO:0013807, OMIM 614565.

Allele frequency attached by ClinVar (database versions not stated): gnomAD exomes 0.00063; ExAC 0.00068; gnomAD 0.00233 and 0.00241; ESP Exome Variant Server 0.00238; TOPMed 0.00239; 1000 Genomes Project 0.00439; 1000 Genomes Project 30x 0.00453.
gnomAD v4.1: 699 of 1,613,404 alleles (0.043%); highest among the groups gnomAD compares: African/African-American, 0.79%; 6 homozygotes.

Submissions (5):

Labcorp Genetics (formerly Invitae), Labcorp
Classification: Benign. Last evaluated: 2025-12-26. Review status: criteria provided, single submitter. Criteria: Invitae Variant Classification Sherloc (09022015). Collection method: clinical testing. Allele origin: germline.

Ambry Genetics
Classification: Uncertain significance for Inborn genetic diseases. Last evaluated: 2025-10-21. Review status: criteria provided, single submitter. Criteria: Ambry Variant Classification Scheme 2023. Collection method: clinical testing. Allele origin: germline.

Blueprint Genetics
Classification: Likely benign. Last evaluated: 2024-09-17. Review status: criteria provided, single submitter. Criteria: ACMG Guidelines, 2015. Collection method: clinical testing. Allele origin: germline.

Eurofins Ntd Llc (ga)
Classification: Likely benign. Last evaluated: 2018-04-05. Review status: criteria provided, single submitter. Criteria: EGL ClinVar v180209 classification definitions. Collection method: clinical testing. Allele origin: germline. Observed: 1 variant allele, 1 heterozygote.

Illumina Laboratory Services, Illumina
Classification: Likely benign for Congenital stationary night blindness 1E. Last evaluated: 2018-01-13. Review status: criteria provided, single submitter. Criteria: ICSL Variant Classification Criteria 13 December 2019. Collection method: clinical testing. Allele origin: germline.
Comment: This variant was observed in the ICSL laboratory as part of a predisposition screen in an ostensibly healthy population. It had not been previously curated by ICSL or reported in the Human Gene Mutation Database (HGMD: prior to June 1st, 2018), and was therefore a candidate for classification through an automated scoring system. Utilizing variant allele frequency, disease prevalence and penetrance estimates, and inheritance mode, an automated score was calculated to assess if this variant is too frequent to cause the disease. Based on the score and internal cut-off values, a variant classified as likely benign is not then subjected to further curation. The score for this variant resulted in a classification of likely benign for this disease.

NM_001004334.4(GPR179):c.4709C>T (p.Thr1570Met)

Gene: GPR179 (G protein-coupled receptor 179; minus strand). Cytogenetic location: 17q12.
Variant type: single nucleotide variant.
Coding change: c.4709C>T on transcript NM_001004334.4 (MANE Select); coding-DNA position 4709, C replaced by T.
Protein change: p.Thr1570Met; replaces threonine 1570 with methionine.
Molecular consequence: missense variant.
Genome position (GRCh38, 1-based): chr17:38,328,860, G>A on the plus strand (C>T on the coding strand, the complement: GPR179 is on the minus strand). VCF-style: chr17-38328860-G-A. GRCh37 (hg19) VCF-style: chr17-36484743-G-A.
Other names: short protein forms T1570M.
Identifiers: ClinVar variation 322985 (VCV000322985.19), dbSNP rs187512697, ClinGen allele CA10649156.